The following is an entry in ClinVar:

ClinVar aggregate classification (germline): Likely benign (0 of 4 stars; one submission).

Conditions:
EPPK1-related disorder. Also called: EPPK1-related condition.

Allele frequency attached by ClinVar (database versions not stated): ESP Exome Variant Server 0.00008; 1000 Genomes Project 30x 0.00156; 1000 Genomes Project 0.00160.

Submission:

PreventionGenetics, part of Exact Sciences
Classification: Likely benign for EPPK1-related condition. Last evaluated: 2022-01-11. Review status: no assertion criteria provided. Collection method: clinical testing. Allele origin: germline.
Comment: This variant is classified as likely benign based on ACMG/AMP sequence variant interpretation guidelines (Richards et al. 2015 PMID: 25741868, with internal and published modifications).

NM_031308.4(EPPK1):c.4635C>T (p.Asp1545=)

Gene: EPPK1 (epiplakin 1; minus strand). Cytogenetic location: 8q24.3.
Variant type: single nucleotide variant.
Coding change: c.4635C>T on transcript NM_031308.4 (MANE Select); coding-DNA position 4635, C replaced by T.
Protein change: p.Asp1545=; no amino-acid change (aspartic acid 1545 retained).
Molecular consequence: synonymous variant.
Genome position (GRCh38, 1-based): chr8:143,868,619, G>A on the plus strand (C>T on the coding strand, the complement: EPPK1 is on the minus strand). VCF-style: chr8-143868619-G-A. GRCh37 (hg19) VCF-style: chr8-144942787-G-A.
Identifiers: ClinVar variation 3053621 (VCV003053621.2), dbSNP rs185538739, ClinGen allele CA4922431.